The following is an entry in ClinVar:

ClinVar aggregate classification (germline): Uncertain significance (1 of 4 stars; one submission).

Conditions:
Combined immunodeficiency due to DOCK8 deficiency (HIES2). Also called: HIES autosomal recessive; Hyper-IgE recurrent infection syndrome, autosomal recessive; HYPER-IgE RECURRENT INFECTION SYNDROME 2, AUTOSOMAL RECESSIVE; HYPER-IgE SYNDROME 2, AUTOSOMAL RECESSIVE, WITH RECURRENT INFECTIONS; DOCK8 Deficiency. Identifiers: Orphanet 217390, MedGen C4722305, MONDO:0009478, OMIM 243700.

Submission:

Labcorp Genetics (formerly Invitae), Labcorp
Classification: Uncertain significance for Combined immunodeficiency due to DOCK8 deficiency. Last evaluated: 2021-09-21. Review status: criteria provided, single submitter. Criteria: Invitae Variant Classification Sherloc (09022015). Collection method: clinical testing. Allele origin: germline.
Comment: In summary, the available evidence is currently insufficient to determine the role of this variant in disease. Therefore, it has been classified as a Variant of Uncertain Significance. Algorithms developed to predict the effect of missense changes on protein structure and function are either unavailable or do not agree on the potential impact of this missense change (SIFT: "Deleterious"; PolyPhen-2: "Possibly Damaging"; Align-GVGD: "Class C0"). This variant has not been reported in the literature in individuals affected with DOCK8-related conditions. This variant is not present in population databases (ExAC no frequency). This sequence change replaces glutamine with proline at codon 392 of the DOCK8 protein (p.Gln392Pro). The glutamine residue is highly conserved and there is a moderate physicochemical difference between glutamine and proline.

NM_203447.4(DOCK8):c.1175A>C (p.Gln392Pro)

Gene: DOCK8 (dedicator of cytokinesis 8; plus strand). Cytogenetic location: 9p24.3.
Variant type: single nucleotide variant.
Coding change: c.1175A>C on transcript NM_203447.4 (MANE Select); coding-DNA position 1175, A replaced by C.
Protein change: p.Gln392Pro; replaces glutamine 392 with proline.
Molecular consequence: missense variant.
Genome position (GRCh38, 1-based): chr9:334,274, A>C. VCF-style: chr9-334274-A-C. GRCh37 (hg19) VCF-style: chr9-334274-A-C.
Other names: c.971A>C, p.Gln324Pro (NM_001190458.2, NM_001193536.2); short protein forms Q324P, Q392P.
Identifiers: ClinVar variation 1479497 (VCV001479497.6), dbSNP rs898931923, ClinGen allele CA372752594.